The following is an entry in ClinVar:

NM_001278293.3(ARL6):c.49G>A (p.Glu17Lys)

Gene: ARL6 (ARF like GTPase 6; plus strand). Cytogenetic location: 3q11.2.
Variant type: single nucleotide variant.
Coding change: c.49G>A on transcript NM_001278293.3 (MANE Select); coding-DNA position 49, G replaced by A.
Protein change: p.Glu17Lys; replaces glutamic acid 17 with lysine.
Molecular consequence: missense variant. On other transcripts: non-coding transcript variant (7).
Genome position (GRCh38, 1-based): chr3:97,768,156, G>A. VCF-style: chr3-97768156-G-A. GRCh37 (hg19) VCF-style: chr3-97487000-G-A.
Other names: c.49G>A, p.Glu17Lys (NM_032146.5, NM_177976.3, NM_001323513.2 and 1 more transcripts); c.49G>A (NM_177976.1); short protein forms E17K.
Identifiers: ClinVar variation 1024607 (VCV001024607.10), dbSNP rs201736026, ClinGen allele CA79490695.

ClinVar aggregate classification (germline): Uncertain significance. Review status: criteria provided, multiple submitters, no conflicts (2 of 4 stars). 5 submissions from 5 submitters: Uncertain significance (5). Last evaluated 2025-08-13.

Conditions:
ARL6-related disorder. Also called: ARL6-related condition.
Bardet-Biedl syndrome 3 (BBS3). Identifiers: Orphanet 110, MedGen C1859564, MONDO:0010832, OMIM 600151.
Retinitis pigmentosa 55 (RP55). Identifiers: Orphanet 791, MedGen C3150808, MONDO:0013312, OMIM 613575.
Bardet-Biedl syndrome 1 (BBS1). Identifiers: MedGen C2936862, MONDO:0008854, OMIM 209900. Disease mechanism: loss of function.
Inborn genetic diseases. Identifiers: MedGen C0950123, MeSH D030342.

Allele frequency attached by ClinVar (database versions not stated): gnomAD exomes below 0.00001 and 0.00003; TOPMed 0.00003.
gnomAD v4.1: 52 of 1,613,012 alleles (0.0032%); highest among the groups gnomAD compares: Non-Finnish European, 0.004%; no homozygotes.

Submissions (5):

Ambry Genetics
Classification: Uncertain significance for Inborn genetic diseases. Last evaluated: 2025-08-13. Review status: criteria provided, single submitter. Criteria: Ambry Variant Classification Scheme 2023. Collection method: clinical testing. Allele origin: germline.

PreventionGenetics, part of Exact Sciences
Classification: Uncertain significance for ARL6-related condition. Last evaluated: 2025-08-04. Review status: criteria provided, single submitter. Criteria: ACMG Guidelines, 2015. Collection method: clinical testing. Allele origin: germline.
Comment: The ARL6 c.49G>A variant is predicted to result in the amino acid substitution p.Glu17Lys. To our knowledge, this variant has not been reported in the literature. This variant is reported in 0.00088% of alleles in individuals of European (Non-Finnish) descent in gnomAD. At this time, the clinical significance of this variant is uncertain due to the absence of conclusive functional and genetic evidence.

Fulgent Genetics
Classification: Uncertain significance for Bardet-Biedl syndrome 1; Bardet-Biedl syndrome 3; Retinitis pigmentosa 55. Last evaluated: 2024-05-13. Review status: criteria provided, single submitter. Criteria: ACMG Guidelines, 2015. Collection method: clinical testing. Allele origin: germline.

Labcorp Genetics (formerly Invitae), Labcorp
Classification: Uncertain significance for Retinitis pigmentosa 55; Bardet-Biedl syndrome 3. Last evaluated: 2021-09-01. Review status: criteria provided, single submitter. Criteria: Invitae Variant Classification Sherloc (09022015). Collection method: clinical testing. Allele origin: germline.
Comment: This sequence change replaces glutamic acid with lysine at codon 17 of the ARL6 protein (p.Glu17Lys). The glutamic acid residue is moderately conserved and there is a small physicochemical difference between glutamic acid and lysine. This variant is not present in population databases (ExAC no frequency). This variant has not been reported in the literature in individuals affected with ARL6-related conditions. Algorithms developed to predict the effect of missense changes on protein structure and function (SIFT, PolyPhen-2, Align-GVGD) all suggest that this variant is likely to be tolerated. In summary, the available evidence is currently insufficient to determine the role of this variant in disease. Therefore, it has been classified as a Variant of Uncertain Significance.

Blueprint Genetics
Classification: Uncertain significance. Last evaluated: 2019-07-10. Review status: criteria provided, single submitter. Criteria: ACMG Guidelines, 2015. Collection method: clinical testing. Allele origin: germline.